The following is an entry in ClinVar:

NM_001042492.3(NF1):c.5730_5734dup (p.Ser1912fs)

Gene: NF1 (neurofibromin 1; plus strand). Cytogenetic location: 17q11.2.
Variant type: Duplication.
Coding change: c.5730_5734dup on transcript NM_001042492.3 (MANE Select); coding-DNA positions 5730 to 5734, 5 bases duplicated (TATTA; older notation c.5730_5734dupTATTA).
Protein change: p.Ser1912fs; shifts the reading frame from serine 1912.
Molecular consequence: frameshift variant.
Genome position (GRCh38, 1-based): chr17:31,330,416-31,330,420, TATTA duplicated. VCF-style (leftmost placement, unchanged base first): chr17-31330415-C-CTATTA. GRCh37 (hg19) VCF-style: chr17-29657433-C-CTATTA.
Other names: c.5667_5671dup, p.Ser1891Ilefs (NM_000267.4); short protein forms S1912fs, S1891fs.
Identifiers: ClinVar variation 1436037 (VCV001436037.6), dbSNP rs2151544765, ClinGen allele CA2573153423.
Genomic context (GRCh38, chr17:31,330,415, plus strand): 5'-GCCAGTTACTAGAGACATCAGGTTTATGTATCCCTGCCAACAACACCCTCTTTATTGTCT[C>CTATTA]TATTAGTAAGACACTGGCAGCCAATGAGCCACACCTCACGTTAGAATTTTTGGAAGAGTG-3'

ClinVar aggregate classification (germline): Pathogenic (1 of 4 stars; one submission).

Conditions:
Neurofibromatosis, type 1 (NF1). Also called: Peripheral type neurofibromatosis; VON RECKLINGHAUSEN DISEASE; NEUROFIBROMATOSIS, TYPE I, SOMATIC; Neurofibromatosis, type I. Identifiers: Orphanet 636, MedGen C0027831, MONDO:0018975, OMIM 162200. Disease mechanism: loss of function.

Submission:

Labcorp Genetics (formerly Invitae), Labcorp
Classification: Pathogenic for Neurofibromatosis, type 1. Last evaluated: 2021-02-16. Review status: criteria provided, single submitter. Criteria: Invitae Variant Classification Sherloc (09022015). Collection method: clinical testing. Allele origin: germline.
Comment: This sequence change creates a premature translational stop signal (p.Ser1891Ilefs*15) in the NF1 gene. It is expected to result in an absent or disrupted protein product. Loss-of-function variants in NF1 are known to be pathogenic (PMID: 10712197, 23913538). For these reasons, this variant has been classified as Pathogenic. Algorithms developed to predict the effect of sequence changes on RNA splicing suggest that this variant may create or strengthen a splice site, but this prediction has not been confirmed by published transcriptional studies. This variant has not been reported in the literature in individuals with NF1-related conditions. This variant is not present in population databases (ExAC no frequency).

Literature cited by the submitters: PubMed 10712197; PubMed 23913538.